The following is an entry in ClinVar:

NM_001035.3(RYR2):c.4413T>C (p.Asp1471=)

Gene: RYR2 (ryanodine receptor 2; plus strand). Cytogenetic location: 1q43.
Variant type: single nucleotide variant.
Coding change: c.4413T>C on transcript NM_001035.3 (MANE Select); coding-DNA position 4413, T replaced by C.
Protein change: p.Asp1471=; no amino-acid change (aspartic acid 1471 retained).
Molecular consequence: synonymous variant.
Genome position (GRCh38, 1-based): chr1:237,593,613, T>C. VCF-style: chr1-237593613-T-C. GRCh37 (hg19) VCF-style: chr1-237756913-T-C.
Identifiers: ClinVar variation 1956670 (VCV001956670.6), dbSNP rs1675481201, ClinGen allele CA423820261.

ClinVar aggregate classification (germline): Likely benign. Review status: criteria provided, multiple submitters, no conflicts (2 of 4 stars). 2 submissions from 2 submitters: Likely benign (2). Last evaluated 2023-09-04.

Conditions:
Catecholaminergic polymorphic ventricular tachycardia 1. Also called: VENTRICULAR TACHYCARDIA, CATECHOLAMINERGIC POLYMORPHIC, 1, WITH OR WITHOUT ATRIAL DYSFUNCTION AND/OR DILATED CARDIOMYOPATHY; VENTRICULAR TACHYCARDIA, STRESS-INDUCED POLYMORPHIC 1; RYR2-Related Catecholaminergic Polymorphic Ventricular Tachycardia. Identifiers: Orphanet 3286, MedGen C1631597, MONDO:0011484, OMIM 604772.
Catecholaminergic polymorphic ventricular tachycardia (CVPT). Also called: Catecholamine-induced polymorphic ventricular tachycardia. Identifiers: Orphanet 3286, MedGen C5574922, MONDO:0017990.

Allele frequency attached by ClinVar (database versions not stated): gnomAD exomes below 0.00001.
gnomAD v4.1: 1 of 1,613,864 alleles (0.000062%); highest among the groups gnomAD compares: Non-Finnish European, 0.000085%; no homozygotes.

Submissions (2):

All of Us Research Program, National Institutes of Health
Classification: Likely benign for Catecholaminergic polymorphic ventricular tachycardia. Last evaluated: 2023-09-04. Review status: criteria provided, single submitter. Criteria: ACMG Guidelines, 2015. Collection method: clinical testing. Allele origin: germline. Inheritance: Autosomal dominant inheritance. Observed: 1 variant allele, 1 heterozygote.
Comment: This study involves interpretation of variants in research participants for the purpose of population health screening. Participant phenotype was not available at the time of variant classification. Additional details can be found in publication PMID: 35346344, PMCID: PMC8962531

Labcorp Genetics (formerly Invitae), Labcorp
Classification: Likely benign for Catecholaminergic polymorphic ventricular tachycardia 1. Last evaluated: 2022-01-16. Review status: criteria provided, single submitter. Criteria: Invitae Variant Classification Sherloc (09022015). Collection method: clinical testing. Allele origin: germline.